The following is an entry in ClinVar:

NM_016035.5(COQ4):c.2T>C (p.Met1Thr)

Gene: COQ4 (coenzyme Q4; plus strand). Cytogenetic location: 9q34.11.
Variant type: single nucleotide variant.
Coding change: c.2T>C on transcript NM_016035.5 (MANE Select); coding-DNA position 2, T replaced by C.
Protein change: p.Met1Thr; changes the start codon (methionine 1).
Molecular consequence: missense variant, initiator codon variant.
Genome position (GRCh38, 1-based): chr9:128,322,860, T>C. VCF-style: chr9-128322860-T-C. GRCh37 (hg19) VCF-style: chr9-131085139-T-C.
Other names: c.2T>C, p.Met1Thr (NM_001305942.2); short protein forms M1T.
Identifiers: ClinVar variation 1029574 (VCV001029574.2), dbSNP rs1255137785, ClinGen allele CA375016929.

ClinVar aggregate classification (germline): Likely pathogenic (1 of 4 stars; one submission).

Conditions:
Neonatal encephalomyopathy-cardiomyopathy-respiratory distress syndrome. Also called: Coenzyme Q10 deficiency, primary, 7. Identifiers: Orphanet 457185, MedGen C5568562, MONDO:0014562, OMIM 616276.

Allele frequency attached by ClinVar (database versions not stated): TOPMed 0.00001; gnomAD exomes 0.00002; gnomAD 0.00001.

Submission:

Baylor Genetics
Classification: Likely pathogenic for Neonatal encephalomyopathy-cardiomyopathy-respiratory distress syndrome. Last evaluated: 2019-08-05. Review status: criteria provided, single submitter. Criteria: ACMG Guidelines, 2015. Collection method: clinical testing. Allele origin: unknown. Affected: yes.
Comment: This variant was determined to be likely pathogenic according to ACMG Guidelines, 2015 [PMID:25741868].